The following is an entry in ClinVar:

ClinVar aggregate classification (germline): Uncertain significance (1 of 4 stars; one submission).

Submission:

Ambry Genetics
Classification: Uncertain significance. Last evaluated: 2026-07-24. Review status: criteria provided, single submitter. Criteria: Ambry Variant Classification Scheme 2023. Collection method: clinical testing. Allele origin: germline.
Comment: The p.N338K variant (also known as c.1014C>G), located in coding exon 6 of the MYLK2 gene, results from a C to G substitution at nucleotide position 1014. The asparagine at codon 338 is replaced by lysine, an amino acid with similar properties. This amino acid position is conserved. In addition, this alteration is predicted to be tolerated by in silico analysis. Based on the available evidence, the clinical significance of this variant remains unclear.

NM_033118.4(MYLK2):c.1014C>G (p.Asn338Lys)

Gene: MYLK2 (myosin light chain kinase 2; plus strand). Cytogenetic location: 20q11.21.
Variant type: single nucleotide variant.
Coding change: c.1014C>G on transcript NM_033118.4 (MANE Select); coding-DNA position 1014, C replaced by G.
Protein change: p.Asn338Lys; replaces asparagine 338 with lysine.
Molecular consequence: missense variant.
Genome position (GRCh38, 1-based): chr20:31,826,646, C>G. VCF-style: chr20-31826646-C-G. GRCh37 (hg19) VCF-style: chr20-30414449-C-G.
Other names: short protein forms N338K.
Identifiers: ClinVar variation 5025228 (VCV005025228.1).